The following is an entry in ClinVar:

NM_003073.5(SMARCB1):c.935C>T (p.Ala312Val)

Gene: SMARCB1 (SWI/SNF related BAF chromatin remodeling complex subunit B1; plus strand). Cytogenetic location: 22q11.23.
Variant type: single nucleotide variant.
Coding change: c.935C>T on transcript NM_003073.5 (MANE Select); coding-DNA position 935, C replaced by T.
Protein change: p.Ala312Val; replaces alanine 312 with valine.
Molecular consequence: missense variant.
Genome position (GRCh38, 1-based): chr22:23,825,364, C>T. VCF-style: chr22-23825364-C-T. GRCh37 (hg19) VCF-style: chr22-24167551-C-T.
Other names: c.908C>T, p.Ala303Val (NM_001007468.3); c.962C>T, p.Ala321Val (NM_001317946.2); c.989C>T, p.Ala330Val (NM_001362877.2); short protein forms A330V, A303V, A312V, A321V.
Identifiers: ClinVar variation 938994 (VCV000938994.10), dbSNP rs2030327085, ClinGen allele CA410907686.
Genomic context (GRCh38, chr22:23,825,364, plus strand): 5'-AGTTTGCCCTGAAGCTGTGCTCGGAGCTGGGGTTGGGCGGGGAGTTTGTCACCACCATCG[C>T]ATACAGCATCCGGGGACAGCTGAGCTGGCATCAGAAGACCTACGCCTTCAGGTAGGATCA-3'
Protein context (NP_003064.2, residues 302-322): GLGGEFVTTI[Ala312Val]YSIRGQLSWH

ClinVar aggregate classification (germline): Uncertain significance. Review status: criteria provided, multiple submitters, no conflicts (2 of 4 stars). 2 submissions from 2 submitters: Uncertain significance (2). Last evaluated 2026-05-31.

Conditions:
Hereditary cancer-predisposing syndrome. Also called: Hereditary Cancer Syndrome; Neoplastic Syndromes, Hereditary; Tumor predisposition; Hereditary neoplastic syndrome. Identifiers: Orphanet 140162, MedGen C0027672, MeSH D009386, MONDO:0015356.

Submissions (2):

Ambry Genetics
Classification: Uncertain significance for Hereditary cancer-predisposing syndrome. Last evaluated: 2026-05-31. Review status: criteria provided, single submitter. Criteria: Ambry Variant Classification Scheme 2023. Collection method: clinical testing. Allele origin: germline.
Comment: The p.A312V variant (also known as c.935C>T), located in coding exon 7 of the SMARCB1 gene, results from a C to T substitution at nucleotide position 935. The alanine at codon 312 is replaced by valine, an amino acid with similar properties. This amino acid position is conserved. In addition, this alteration is predicted to be deleterious by in silico analysis. Based on the available evidence, the clinical significance of this variant remains unclear.

Labcorp Genetics (formerly Invitae), Labcorp
Classification: Uncertain significance. Last evaluated: 2019-10-04. Review status: criteria provided, single submitter. Criteria: Invitae Variant Classification Sherloc (09022015). Collection method: clinical testing. Allele origin: germline.
Comment: In summary, the available evidence is currently insufficient to determine the role of this variant in disease. Therefore, it has been classified as a Variant of Uncertain Significance. Algorithms developed to predict the effect of missense changes on protein structure and function (SIFT, PolyPhen-2, Align-GVGD) all suggest that this variant is likely to be disruptive, but these predictions have not been confirmed by published functional studies and their clinical significance is uncertain. This variant has not been reported in the literature in individuals with SMARCB1-related conditions. This variant is not present in population databases (ExAC no frequency). This sequence change replaces alanine with valine at codon 312 of the SMARCB1 protein (p.Ala312Val). The alanine residue is highly conserved and there is a small physicochemical difference between alanine and valine.